The following is an entry in ClinVar:

NM_001372.4(DNAH9):c.4615-4G>A

Gene: DNAH9 (dynein axonemal heavy chain 9; plus strand). Cytogenetic location: 17p12.
Variant type: single nucleotide variant.
Coding change: c.4615-4G>A on transcript NM_001372.4 (MANE Select); 4 bases into the intron before coding-DNA position 4615, G replaced by A.
Molecular consequence: intron variant.
Genome position (GRCh38, 1-based): chr17:11,693,864, G>A. VCF-style: chr17-11693864-G-A. GRCh37 (hg19) VCF-style: chr17-11597181-G-A.
Other names: p.?; c.4615-4G>A (NM_001372.3).
Identifiers: ClinVar variation 1564212 (VCV001564212.18), dbSNP rs183465769, ClinGen allele CA8395723.

ClinVar aggregate classification (germline): Likely benign. Review status: criteria provided, multiple submitters, no conflicts (2 of 4 stars). 5 submissions from 5 submitters: Likely benign (4). 1 of the submissions does not count toward it. Last evaluated 2025-12-31.

Conditions:
DNAH9-related disorder. Also called: DNAH9-related condition.

Allele frequency attached by ClinVar (database versions not stated): 1000 Genomes Project 30x 0.00062; 1000 Genomes Project 0.00080; gnomAD exomes 0.00097 and 0.00165; ExAC 0.00103; TOPMed 0.00105; gnomAD 0.00106 and 0.00109; ESP Exome Variant Server 0.00192.
gnomAD v4.1: 2,584 of 1,614,040 alleles (0.16%); highest among the groups gnomAD compares: Non-Finnish European, 0.19%; 5 homozygotes.

Submissions (5):

Labcorp Genetics (formerly Invitae), Labcorp
Classification: Likely benign. Last evaluated: 2025-12-31. Review status: criteria provided, single submitter. Criteria: Invitae Variant Classification Sherloc (09022015). Collection method: clinical testing. Allele origin: germline.

CeGaT Center for Human Genetics Tuebingen
Classification: Likely benign. Last evaluated: 2025-11-01. Review status: criteria provided, single submitter. Criteria: CeGaT Center For Human Genetics Tuebingen Variant Classification Criteria Version 2. Collection method: clinical testing. Allele origin: germline. Affected: yes. Observed: 1 variant allele.
Comment: DNAH9: BP4, BS2

Mayo Clinic Laboratories, Mayo Clinic
Classification: Likely benign. Last evaluated: 2025-02-26. Review status: criteria provided, single submitter. Criteria: ACMG Guidelines, 2015. Collection method: clinical testing. Allele origin: germline. Observed: 1 variant allele.
Comment: BS1, BP4, BP7

Blueprint Genetics
Classification: Likely benign. Last evaluated: 2024-11-27. Review status: criteria provided, single submitter. Criteria: ACMG Guidelines, 2015. Collection method: clinical testing. Allele origin: germline.

PreventionGenetics, part of Exact Sciences
Classification: Likely benign for DNAH9-related condition. Last evaluated: 2019-10-28. Review status: no assertion criteria provided. Collection method: clinical testing. Allele origin: germline. Not counted in ClinVar's aggregate classification.
Comment: This variant is classified as likely benign based on ACMG/AMP sequence variant interpretation guidelines (Richards et al. 2015 PMID: 25741868, with internal and published modifications).